The following is an entry in ClinVar:

NM_032444.4(SLX4):c.442C>T (p.Pro148Ser)

Gene: SLX4 (SLX4 structure-specific endonuclease subunit; minus strand). Cytogenetic location: 16p13.3.
Variant type: single nucleotide variant.
Coding change: c.442C>T on transcript NM_032444.4 (MANE Select); coding-DNA position 442, C replaced by T.
Protein change: p.Pro148Ser; replaces proline 148 with serine.
Molecular consequence: missense variant.
Genome position (GRCh38, 1-based): chr16:3,608,523, G>A on the plus strand (C>T on the coding strand, the complement: SLX4 is on the minus strand). VCF-style: chr16-3608523-G-A. GRCh37 (hg19) VCF-style: chr16-3658524-G-A.
Other names: short protein forms P148S.
Identifiers: ClinVar variation 1937778 (VCV001937778.5), dbSNP rs2040811041, ClinGen allele CA394547229.
Genomic context (GRCh38, chr16:3,608,523, plus strand): 5'-GTTCTTGCTGGTTACCCGTCTGGGTGTTTTGTGCTGTTTCCCGGAGCACAGGTGGATCTG[G>A]AGCAGAGGCAAGCACACCCCCCTCCCCATTCACAGAGTGGGCCGGTTCACTTGCTTGCCA-3'
Protein context (NP_115820.2, residues 138-158): NGEGGVLASA[Pro148Ser]DPPVLRETAQ

ClinVar aggregate classification (germline): Uncertain significance (1 of 4 stars; one submission).

Conditions:
Fanconi anemia (FA). Also called: Fanconi's anemia. Identifiers: Orphanet 84, MedGen C0015625, MeSH D005199, MONDO:0019391.

Allele frequency attached by ClinVar (database versions not stated): TOPMed below 0.00001.
gnomAD v4.1: 1 of 1,614,188 alleles (0.000062%); highest among the groups gnomAD compares: Middle Eastern, 0.016%; no homozygotes.

Submission:

Labcorp Genetics (formerly Invitae), Labcorp
Classification: Uncertain significance for Fanconi anemia. Last evaluated: 2023-10-10. Review status: criteria provided, single submitter. Criteria: Invitae Variant Classification Sherloc (09022015). Collection method: clinical testing. Allele origin: germline.
Comment: This sequence change replaces proline, which is neutral and non-polar, with serine, which is neutral and polar, at codon 148 of the SLX4 protein (p.Pro148Ser). This variant is not present in population databases (gnomAD no frequency). This variant has not been reported in the literature in individuals affected with SLX4-related conditions. ClinVar contains an entry for this variant (Variation ID: 1937778). An algorithm developed to predict the effect of missense changes on protein structure and function (PolyPhen-2) suggests that this variant is likely to be tolerated. In summary, the available evidence is currently insufficient to determine the role of this variant in disease. Therefore, it has been classified as a Variant of Uncertain Significance.